The following is an entry in ClinVar:

ClinVar aggregate classification (germline): Uncertain significance (1 of 4 stars; one submission).

Conditions:
Congenital contractural arachnodactyly (CCA). Also called: Beals-Hecht syndrome; BEALS SYNDROME; Arthrogryposis, distal, type 9. Identifiers: Orphanet 115, MedGen C0220668, MONDO:0007363, OMIM 121050.

Submission:

Labcorp Genetics (formerly Invitae), Labcorp
Classification: Uncertain significance for Congenital contractural arachnodactyly. Last evaluated: 2022-12-25. Review status: criteria provided, single submitter. Criteria: Invitae Variant Classification Sherloc (09022015). Collection method: clinical testing. Allele origin: germline.
Comment: This sequence change replaces serine, which is neutral and polar, with alanine, which is neutral and non-polar, at codon 2399 of the FBN2 protein (p.Ser2399Ala). This variant is not present in population databases (gnomAD no frequency). This variant has not been reported in the literature in individuals affected with FBN2-related conditions. Advanced modeling of protein sequence and biophysical properties (such as structural, functional, and spatial information, amino acid conservation, physicochemical variation, residue mobility, and thermodynamic stability) performed at Invitae indicates that this missense variant is not expected to disrupt FBN2 protein function. In summary, the available evidence is currently insufficient to determine the role of this variant in disease. Therefore, it has been classified as a Variant of Uncertain Significance.

NM_001999.4(FBN2):c.7195T>G (p.Ser2399Ala)

Gene: FBN2 (fibrillin 2; minus strand). Cytogenetic location: 5q23.3.
Variant type: single nucleotide variant.
Coding change: c.7195T>G on transcript NM_001999.4 (MANE Select); coding-DNA position 7195, T replaced by G.
Protein change: p.Ser2399Ala; replaces serine 2399 with alanine.
Molecular consequence: missense variant.
Genome position (GRCh38, 1-based): chr5:128,278,785, A>C on the plus strand (T>G on the coding strand, the complement: FBN2 is on the minus strand). VCF-style: chr5-128278785-A-C. GRCh37 (hg19) VCF-style: chr5-127614477-A-C.
Other names: short protein forms S2399A.
Identifiers: ClinVar variation 2824159 (VCV002824159.3), dbSNP rs1554117123, ClinGen allele CA360756612.
Genomic context (GRCh38, chr5:128,278,785, plus strand): 5'-CCCAGCCTCGCCCACCATCACAGCAGCATTCTGACTTAGTGACGAGATTGCGACTACTGG[A>C]TGCCATTTGACATATTGTCTGCAGTACCTCTGCAAAGCAGAGACCCTGTCGATTGTCTGA-3'
Protein context (NP_001990.2, residues 2389-2409): EVLQTICQMA[Ser2399Ala]SSRNLVTKSE